The following is an entry in ClinVar:

ClinVar aggregate classification (germline): Likely benign. Review status: criteria provided, single submitter (1 of 4 stars). 2 submissions from 2 submitters: Likely benign (1). 1 of the submissions does not count toward it. Last evaluated 2022-08-25.

Conditions:
IGSF10-related disorder. Also called: IGSF10-related condition.

Allele frequency attached by ClinVar (database versions not stated): TOPMed 0.00042; gnomAD exomes 0.00004; gnomAD 0.00034; ESP Exome Variant Server 0.00038; ExAC 0.00003.
gnomAD v4.1: 124 of 1,614,086 alleles (0.0077%); highest among the groups gnomAD compares: African/African-American, 0.12%; no homozygotes.

Submissions (2):

Labcorp Genetics (formerly Invitae), Labcorp
Classification: Likely benign. Last evaluated: 2022-08-25. Review status: criteria provided, single submitter. Criteria: Invitae Variant Classification Sherloc (09022015). Collection method: clinical testing. Allele origin: germline.

PreventionGenetics, part of Exact Sciences
Classification: Likely benign for IGSF10-related condition. Last evaluated: 2019-07-16. Review status: no assertion criteria provided. Collection method: clinical testing. Allele origin: germline. Not counted in ClinVar's aggregate classification.
Comment: This variant is classified as likely benign based on ACMG/AMP sequence variant interpretation guidelines (Richards et al. 2015 PMID: 25741868, with internal and published modifications).

NM_178822.5(IGSF10):c.7080T>C (p.Ser2360=)

Gene: IGSF10 (immunoglobulin superfamily member 10; minus strand). Cytogenetic location: 3q25.1.
Variant type: single nucleotide variant.
Coding change: c.7080T>C on transcript NM_178822.5 (MANE Select); coding-DNA position 7080, T replaced by C.
Protein change: p.Ser2360=; no amino-acid change (serine 2360 retained).
Molecular consequence: synonymous variant.
Genome position (GRCh38, 1-based): chr3:151,437,481, A>G on the plus strand (T>C on the coding strand, the complement: IGSF10 is on the minus strand). VCF-style: chr3-151437481-A-G. GRCh37 (hg19) VCF-style: chr3-151155269-A-G.
Other names: c.7080T>C (NM_178822.4); c.1017T>C, p.Ser339= (NM_001178145.3, NM_001178146.3); c.7080T>C, p.Ser2360= (NM_001385060.1, NM_001385061.1, NM_001385062.1 and 1 more transcripts).
Identifiers: ClinVar variation 2051037 (VCV002051037.6), dbSNP rs143302876, ClinGen allele CA2669380.